The following is an entry in ClinVar:

NM_006000.3(TUBA4A):c.138C>T (p.Asp46=)

Gene: TUBA4A (tubulin alpha 4a; minus strand). Cytogenetic location: 2q35.
Variant type: single nucleotide variant.
Coding change: c.138C>T on transcript NM_006000.3 (MANE Select); coding-DNA position 138, C replaced by T.
Protein change: p.Asp46=; no amino-acid change (aspartic acid 46 retained).
Molecular consequence: synonymous variant.
Genome position (GRCh38, 1-based): chr2:219,252,096, G>A on the plus strand (C>T on the coding strand, the complement: TUBA4A is on the minus strand). VCF-style: chr2-219252096-G-A. GRCh37 (hg19) VCF-style: chr2-220116818-G-A.
Other names: c.93C>T, p.Asp31= (NM_001278552.2).
Identifiers: ClinVar variation 3770564 (VCV003770564.13).

ClinVar aggregate classification (germline): Likely benign (1 of 4 stars; one submission).

Submission:

CeGaT Center for Human Genetics Tuebingen
Classification: Likely benign. Last evaluated: 2025-02-01. Review status: criteria provided, single submitter. Criteria: CeGaT Center For Human Genetics Tuebingen Variant Classification Criteria Version 2. Collection method: clinical testing. Allele origin: germline. Affected: yes. Observed: 1 variant allele.
Comment: TUBA4A: BP4, BP7